The following is an entry in ClinVar:

NM_000334.4(SCN4A):c.4069A>G (p.Ile1357Val)

Genes: GH-LCR (growth hormone locus control region; plus strand), SCN4A (sodium voltage-gated channel alpha subunit 4; minus strand). Cytogenetic location: 17q23.3.
Variant type: single nucleotide variant.
Coding change: c.4069A>G on transcript NM_000334.4 (MANE Select); coding-DNA position 4069, A replaced by G.
Protein change: p.Ile1357Val; replaces isoleucine 1357 with valine.
Molecular consequence: missense variant.
Genome position (GRCh38, 1-based): chr17:63,943,045, T>C on the plus strand (A>G on the coding strand, the complement: SCN4A is on the minus strand). VCF-style: chr17-63943045-T-C. GRCh37 (hg19) VCF-style: chr17-62020405-T-C.
Other names: short protein forms I1357V.
Identifiers: ClinVar variation 3685603 (VCV003685603.2).

ClinVar aggregate classification (germline): Uncertain significance (1 of 4 stars; one submission).

Conditions:
Hyperkalemic periodic paralysis. Also called: Familial hyperkalemic periodic paralysis; Gamstorp disease. Identifiers: Orphanet 682, MedGen C0238357, MONDO:0008224, OMIM 170500, HP:0007215.

gnomAD v4.1: 2 of 1,613,940 alleles (0.00012%); highest among the groups gnomAD compares: South Asian, 0.0022%; no homozygotes.

Submission:

Labcorp Genetics (formerly Invitae), Labcorp
Classification: Uncertain significance for Hyperkalemic periodic paralysis. Last evaluated: 2024-12-03. Review status: criteria provided, single submitter. Criteria: Invitae Variant Classification Sherloc (09022015). Collection method: clinical testing. Allele origin: germline.
Comment: This sequence change replaces isoleucine, which is neutral and non-polar, with valine, which is neutral and non-polar, at codon 1357 of the SCN4A protein (p.Ile1357Val). This variant is not present in population databases (gnomAD no frequency). This variant has not been reported in the literature in individuals affected with SCN4A-related conditions. Invitae Evidence Modeling of protein sequence and biophysical properties (such as structural, functional, and spatial information, amino acid conservation, physicochemical variation, residue mobility, and thermodynamic stability) indicates that this missense variant is not expected to disrupt SCN4A protein function with a negative predictive value of 95%. In summary, the available evidence is currently insufficient to determine the role of this variant in disease. Therefore, it has been classified as a Variant of Uncertain Significance.